The following is an entry in ClinVar:

NM_000890.5(KCNJ5):c.273C>T (p.Leu91=)

Gene: KCNJ5 (potassium inwardly rectifying channel subfamily J member 5; plus strand). Cytogenetic location: 11q24.3.
Variant type: single nucleotide variant.
Coding change: c.273C>T on transcript NM_000890.5 (MANE Select); coding-DNA position 273, C replaced by T.
Protein change: p.Leu91=; no amino-acid change (leucine 91 retained).
Molecular consequence: synonymous variant.
Genome position (GRCh38, 1-based): chr11:128,911,546, C>T. VCF-style: chr11-128911546-C-T. GRCh37 (hg19) VCF-style: chr11-128781441-C-T.
Other names: c.273C>T (LRG_333t1); c.273C>T, p.Leu91= (NM_001354169.2).
Identifiers: ClinVar variation 303627 (VCV000303627.21), dbSNP rs146853795, ClinGen allele CA6357848.

ClinVar aggregate classification (germline): Benign/Likely benign. Review status: criteria provided, multiple submitters, no conflicts (2 of 4 stars). 7 submissions from 7 submitters: Benign (2); Likely benign (4). 1 of the submissions does not count toward it. Last evaluated 2026-01-15.

Conditions:
Long QT syndrome (LQTS). Identifiers: MedGen C0023976, MeSH D008133, MONDO:0002442. Disease mechanism: loss of function. Inheritance: Various modes of inheritance.
KCNJ5-related disorder. Also called: KCNJ5-related condition.
Cardiovascular phenotype. Identifiers: MedGen CN230736.
Familial hyperaldosteronism type III. Also called: FH III; Familial hyperaldosteronism type 3. Identifiers: Orphanet 251274, MedGen C3838758, MONDO:0013359, OMIM 613677.
Long QT syndrome 13 (LQT13). Identifiers: Orphanet 101016, Orphanet 768, MedGen C3150733, MONDO:0013279, OMIM 613485.

Allele frequency attached by ClinVar (database versions not stated): 1000 Genomes Project 30x 0.00016; ExAC 0.00018; 1000 Genomes Project 0.00020; gnomAD exomes 0.00021 and 0.00038; gnomAD 0.00028 and 0.00037; TOPMed 0.00035; ESP Exome Variant Server 0.00069.
gnomAD v4.1: 621 of 1,614,230 alleles (0.038%); highest among the groups gnomAD compares: Non-Finnish European, 0.047%; 1 homozygote.

Submissions (7):

Labcorp Genetics (formerly Invitae), Labcorp
Classification: Likely benign for Long QT syndrome. Last evaluated: 2026-01-15. Review status: criteria provided, single submitter. Criteria: Invitae Variant Classification Sherloc (09022015). Collection method: clinical testing. Allele origin: germline.

Women's Health and Genetics/Laboratory Corporation of America, LabCorp
Classification: Benign. Last evaluated: 2025-03-28. Review status: criteria provided, single submitter. Criteria: LabCorp Variant Classification Summary - May 2015. Collection method: clinical testing. Allele origin: germline.

Blueprint Genetics
Classification: Likely benign. Last evaluated: 2024-10-24. Review status: criteria provided, single submitter. Criteria: ACMG Guidelines, 2015. Collection method: clinical testing. Allele origin: germline.

Fulgent Genetics
Classification: Likely benign for Long QT syndrome 13; Familial hyperaldosteronism type III. Last evaluated: 2021-07-19. Review status: criteria provided, single submitter. Criteria: ACMG Guidelines, 2015. Collection method: clinical testing. Allele origin: unknown.

Ambry Genetics
Classification: Likely benign for Cardiovascular phenotype. Last evaluated: 2019-01-28. Review status: criteria provided, single submitter. Criteria: Ambry Variant Classification Scheme 2023. Collection method: clinical testing. Allele origin: germline.

GeneDx
Classification: Benign. Last evaluated: 2015-04-14. Review status: criteria provided, single submitter. Criteria: GeneDx Variant Classification (06012015). Collection method: clinical testing. Allele origin: germline. Affected: yes.
Comment: This variant is considered likely benign or benign based on one or more of the following criteria: it is a conservative change, it occurs at a poorly conserved position in the protein, it is predicted to be benign by multiple in silico algorithms, and/or has population frequency not consistent with disease.

PreventionGenetics, part of Exact Sciences
Classification: Likely benign for KCNJ5-related condition. Last evaluated: 2019-09-06. Review status: no assertion criteria provided. Collection method: clinical testing. Allele origin: germline. Not counted in ClinVar's aggregate classification.
Comment: This variant is classified as likely benign based on ACMG/AMP sequence variant interpretation guidelines (Richards et al. 2015 PMID: 25741868, with internal and published modifications).